The following is an entry in ClinVar:

ClinVar aggregate classification (germline): Uncertain significance. Review status: criteria provided, multiple submitters, no conflicts (2 of 4 stars). 3 submissions from 3 submitters: Uncertain significance (3). Last evaluated 2024-03-07.

Conditions:
Nonpapillary renal cell carcinoma. Identifiers: Orphanet 422526, MedGen CN074294, MONDO:0007763, OMIM 144700.
Chuvash polycythemia. Also called: POLYCYTHEMIA, VHL-DEPENDENT. Identifiers: Orphanet 238557, MedGen C1837915, MONDO:0009892, OMIM 263400.
Pheochromocytoma. Also called: MAX-Related Hereditary Paraganglioma-Pheochromocytoma Syndrome. Identifiers: Orphanet 29072, MedGen C0031511, MONDO:0008233, OMIM 171300, HP:0002666.
Von Hippel-Lindau syndrome (VHLS). Also called: von Hippel–Lindau syndrome; Von Hippel-Lindau; VHL syndrome. Identifiers: Orphanet 892, MedGen C0019562, MONDO:0008667, OMIM 193300. Disease mechanism: loss of function.

Submissions (3):

Fulgent Genetics
Classification: Uncertain significance for Nonpapillary renal cell carcinoma; Pheochromocytoma; Von Hippel-Lindau syndrome; Chuvash polycythemia. Last evaluated: 2024-03-07. Review status: criteria provided, single submitter. Criteria: ACMG Guidelines, 2015. Collection method: clinical testing. Allele origin: germline.

All of Us Research Program, National Institutes of Health
Classification: Uncertain significance for Von Hippel-Lindau syndrome. Last evaluated: 2024-01-11. Review status: criteria provided, single submitter. Criteria: ACMG Guidelines, 2015. Collection method: clinical testing. Allele origin: germline. Inheritance: Autosomal dominant inheritance. Observed: 1 variant allele, 1 heterozygote.
Comment: This study involves interpretation of variants in research participants for the purpose of population health screening. Participant phenotype was not available at the time of variant classification. Additional details can be found in publication PMID: 35346344, PMCID: PMC8962531

Labcorp Genetics (formerly Invitae), Labcorp
Classification: Uncertain significance for Von Hippel-Lindau syndrome; Chuvash polycythemia. Last evaluated: 2020-06-30. Review status: criteria provided, single submitter. Criteria: Invitae Variant Classification Sherloc (09022015). Collection method: clinical testing. Allele origin: germline.
Comment: In summary, the available evidence is currently insufficient to determine the role of this variant in disease. Therefore, it has been classified as a Variant of Uncertain Significance. This variant has been reported to affect VHL protein function (PMID: 20300531, 20844582). This variant has not been reported in the literature in individuals with VHL-related conditions. This variant is not present in population databases (ExAC no frequency). This sequence change replaces lysine with arginine at codon 171 of the VHL protein (p.Lys171Arg). The lysine residue is highly conserved and there is a small physicochemical difference between lysine and arginine.

Literature cited by the submitters: PubMed 20300531 (cited by Labcorp Genetics (formerly Invitae), Labcorp); PubMed 20844582 (cited by Labcorp Genetics (formerly Invitae), Labcorp).

NM_000551.4(VHL):c.512A>G (p.Lys171Arg)

Genes: VHL (von Hippel-Lindau tumor suppressor; plus strand), LOC107303340 (3p25 von Hippel-Lindau tumor suppressor, E3 ubiquitin protein ligase Alu-mediated recombination region; plus strand). Cytogenetic location: 3p25.3.
Variant type: single nucleotide variant.
Coding change: c.512A>G on transcript NM_000551.4 (MANE Select); coding-DNA position 512, A replaced by G.
Protein change: p.Lys171Arg; replaces lysine 171 with arginine.
Molecular consequence: missense variant. On other transcripts: 3 prime UTR variant (1).
Genome position (GRCh38, 1-based): chr3:10,149,835, A>G. VCF-style: chr3-10149835-A-G. GRCh37 (hg19) VCF-style: chr3-10191519-A-G.
Other names: c.512A>G (NM_000551.3); c.*66A>G (NM_001354723.2); c.389A>G, p.Lys130Arg (NM_198156.3); short protein forms K130R, K171R.
Identifiers: ClinVar variation 1002726 (VCV001002726.10), dbSNP rs1696358528, ClinGen allele CA351756201.